The following is an entry in ClinVar:

ClinVar aggregate classification (germline): Benign/Likely benign. Review status: criteria provided, multiple submitters, no conflicts (2 of 4 stars). 4 submissions from 4 submitters: Benign (2); Likely benign (2). Last evaluated 2024-10-22.

Conditions:
Inborn genetic diseases. Identifiers: MedGen C0950123, MeSH D030342.

Allele frequency attached by ClinVar (database versions not stated): TOPMed 0.00012; ESP Exome Variant Server 0.00015; gnomAD 0.00016 and 0.00021; ExAC 0.00034; gnomAD exomes 0.00036; 1000 Genomes Project 0.00040; 1000 Genomes Project 30x 0.00047.
gnomAD v4.1: 349 of 1,614,148 alleles (0.022%); highest among the groups gnomAD compares: South Asian, 0.18%; 1 homozygote.

Submissions (4):

Blueprint Genetics
Classification: Likely benign. Last evaluated: 2024-10-22. Review status: criteria provided, single submitter. Criteria: ACMG Guidelines, 2015. Collection method: clinical testing. Allele origin: germline.

Ambry Genetics
Classification: Likely benign for Inborn genetic diseases. Last evaluated: 2024-08-02. Review status: criteria provided, single submitter. Criteria: Ambry Variant Classification Scheme 2023. Collection method: clinical testing. Allele origin: germline.

CeGaT Center for Human Genetics Tuebingen
Classification: Benign. Last evaluated: 2022-03-01. Review status: criteria provided, single submitter. Criteria: CeGaT Center For Human Genetics Tuebingen Variant Classification Criteria Version 2. Collection method: clinical testing. Allele origin: germline. Affected: yes. Observed: 1 variant allele.
Comment: HECW2: BS1, BS2

Labcorp Genetics (formerly Invitae), Labcorp
Classification: Benign. Last evaluated: 2018-07-11. Review status: criteria provided, single submitter. Criteria: Invitae Variant Classification Sherloc (09022015). Collection method: clinical testing. Allele origin: germline.

NM_001348768.2(HECW2):c.1062C>T (p.Asp354=)

Gene: HECW2 (HECT, C2 and WW domain containing E3 ubiquitin protein ligase 2; minus strand). Cytogenetic location: 2q32.3.
Variant type: single nucleotide variant.
Coding change: c.1062C>T on transcript NM_001348768.2 (MANE Select); coding-DNA position 1062, C replaced by T.
Protein change: p.Asp354=; no amino-acid change (aspartic acid 354 retained).
Molecular consequence: synonymous variant. On other transcripts: 5 prime UTR variant (1).
Genome position (GRCh38, 1-based): chr2:196,319,828, G>A on the plus strand (C>T on the coding strand, the complement: HECW2 is on the minus strand). VCF-style: chr2-196319828-G-A. GRCh37 (hg19) VCF-style: chr2-197184552-G-A.
Other names: c.-7C>T (NM_001304840.3); c.1062C>T, p.Asp354= (NM_020760.4); c.1062C>T (NM_020760.1).
Identifiers: ClinVar variation 738749 (VCV000738749.29), dbSNP rs141702751, ClinGen allele CA2038392.
Genomic context (GRCh38, chr2:196,319,828, plus strand): 5'-CTCAGAAACTGGCCCATTAGAGCACACCTGGCTGTCGTGATGGCTCCCTGGCATGTCCTC[G>A]TCATCGGAAGGGCTACCTAAGTCTCCATTCACAGAATTGACTCCAAGTATTGTGCCAACA-3'
Protein context (NP_001335697.1, residues 344-364): VNGDLGSPSD[Asp354=]EDMPGSHHDS